The following is an entry in ClinVar:

NM_030777.4(SLC2A10):c.797G>A (p.Gly266Glu)

Gene: SLC2A10 (solute carrier family 2 member 10; plus strand). Cytogenetic location: 20q13.12.
Variant type: single nucleotide variant.
Coding change: c.797G>A on transcript NM_030777.4 (MANE Select); coding-DNA position 797, G replaced by A.
Protein change: p.Gly266Glu; replaces glycine 266 with glutamic acid.
Molecular consequence: missense variant.
Genome position (GRCh38, 1-based): chr20:46,725,833, G>A. VCF-style: chr20-46725833-G-A. GRCh37 (hg19) VCF-style: chr20-45354472-G-A.
Other names: short protein forms G266E.
Identifiers: ClinVar variation 581799 (VCV000581799.9), dbSNP rs369484751, ClinGen allele CA9892045.

ClinVar aggregate classification (germline): Conflicting classifications of pathogenicity. Review status: criteria provided, conflicting classifications (1 of 4 stars). 2 submissions from 2 submitters: Uncertain significance (1); Likely benign (1). Last evaluated 2024-07-23.

Conditions:
Familial thoracic aortic aneurysm and aortic dissection (TAAD). Also called: Thoracic aortic aneurysms and dissections. Identifiers: Orphanet 91387, MedGen C4707243, MONDO:0019625.
Arterial tortuosity syndrome (ATORS). Identifiers: Orphanet 3342, MedGen C1859726, MONDO:0008818, OMIM 208050.

Allele frequency attached by ClinVar (database versions not stated): TOPMed 0.00006.
gnomAD v4.1: 77 of 1,614,142 alleles (0.0048%); highest among the groups gnomAD compares: Non-Finnish European, 0.0058%; no homozygotes.

Submissions (2):

Ambry Genetics
Classification: Likely benign for Familial thoracic aortic aneurysm and aortic dissection. Last evaluated: 2024-07-23. Review status: criteria provided, single submitter. Criteria: Ambry Variant Classification Scheme 2023. Collection method: clinical testing. Allele origin: germline.

Labcorp Genetics (formerly Invitae), Labcorp
Classification: Uncertain significance for Arterial tortuosity syndrome. Last evaluated: 2021-09-01. Review status: criteria provided, single submitter. Criteria: Invitae Variant Classification Sherloc (09022015). Collection method: clinical testing. Allele origin: germline.
Comment: This sequence change replaces glycine with glutamic acid at codon 266 of the SLC2A10 protein (p.Gly266Glu). The glycine residue is moderately conserved and there is a moderate physicochemical difference between glycine and glutamic acid. This variant is present in population databases (rs369484751, ExAC 0.002%). This variant has not been reported in the literature in individuals affected with SLC2A10-related conditions. Algorithms developed to predict the effect of missense changes on protein structure and function (SIFT, PolyPhen-2, Align-GVGD) all suggest that this variant is likely to be tolerated. In summary, the available evidence is currently insufficient to determine the role of this variant in disease. Therefore, it has been classified as a Variant of Uncertain Significance.